The following is an entry in ClinVar:

ClinVar aggregate classification (germline): Likely benign. Review status: criteria provided, multiple submitters, no conflicts (2 of 4 stars). 2 submissions from 2 submitters: Likely benign (2). Last evaluated 2018-01-12.

Conditions:
Autosomal recessive limb-girdle muscular dystrophy type 2N. Also called: MUSCULAR DYSTROPHY-DYSTROGLYCANOPATHY, LIMB-GIRDLE, POMT2-RELATED; Muscular dystrophy-dystroglycanopathy (limb-girdle), type C, 2. Identifiers: Orphanet 206559, MedGen C3150418, MONDO:0013162, OMIM 613158.

Allele frequency attached by ClinVar (database versions not stated): gnomAD 0.01861 and 0.02005; TOPMed 0.01889; 1000 Genomes Project 30x 0.02483; 1000 Genomes Project 0.02536; gnomAD exomes 0.02581.
gnomAD v4.1: 3,070 of 152,580 alleles (2%); highest among the groups gnomAD compares: Middle Eastern, 7.1%; 49 homozygotes.

Submissions (2):

Illumina Laboratory Services, Illumina
Classification: Likely benign for Autosomal recessive limb-girdle muscular dystrophy type 2N. Last evaluated: 2018-01-12. Review status: criteria provided, single submitter. Criteria: ICSL Variant Classification Criteria 13 December 2019. Collection method: clinical testing. Allele origin: germline.
Comment: This variant was observed in the ICSL laboratory as part of a predisposition screen in an ostensibly healthy population. It had not been previously curated by ICSL or reported in the Human Gene Mutation Database (HGMD: prior to June 1st, 2018), and was therefore a candidate for classification through an automated scoring system. Utilizing variant allele frequency, disease prevalence and penetrance estimates, and inheritance mode, an automated score was calculated to assess if this variant is too frequent to cause the disease. Based on the score and internal cut-off values, a variant classified as likely benign is not then subjected to further curation. The score for this variant resulted in a classification of likely benign for this disease.

Breakthrough Genomics
Classification: Likely benign. Review status: criteria provided, single submitter. Criteria: ACMG Guidelines, 2015. Collection method: not provided. Allele origin: germline. Inheritance: Autosomal recessive inheritance. Affected: yes.

NM_013382.7(POMT2):c.*1337C>T

Gene: POMT2 (protein O-mannosyltransferase 2; minus strand). Cytogenetic location: 14q24.3.
Variant type: single nucleotide variant.
Coding change: c.*1337C>T on transcript NM_013382.7 (MANE Select); 1337 bases downstream of the stop codon, C replaced by T.
Molecular consequence: 3 prime UTR variant.
Genome position (GRCh38, 1-based): chr14:77,276,039, G>A on the plus strand (C>T on the coding strand, the complement: POMT2 is on the minus strand). VCF-style: chr14-77276039-G-A. GRCh37 (hg19) VCF-style: chr14-77742382-G-A.
Identifiers: ClinVar variation 314527 (VCV000314527.6), dbSNP rs45561437, ClinGen allele CA10646294.